The following is an entry in ClinVar:

ClinVar aggregate classification (germline): Conflicting classifications of pathogenicity. Review status: criteria provided, conflicting classifications (1 of 4 stars). 2 submissions from 2 submitters: Uncertain significance (1); Likely benign (1). Last evaluated 2026-06-15.

Conditions:
Cardiovascular phenotype. Identifiers: MedGen CN230736.
Arrhythmogenic cardiomyopathy with wooly hair and keratoderma. Also called: Arrhythmogenic cardiomyopathy with woolly hair and keratoderma; Carvajal syndrome; Dilated cardiomyopathy with woolly hair and keratoderma; PALMOPLANTAR KERATODERMA WITH LEFT VENTRICULAR CARDIOMYOPATHY AND WOOLLY HAIR. Identifiers: Orphanet 65282, MedGen C1854063, MONDO:0011581, OMIM 605676.
Arrhythmogenic right ventricular dysplasia 8 (ARVD8). Also called: Arrhythmogenic Right Ventricular Dysplasia/Cardiomyopathy 8; ARRHYTHMOGENIC RIGHT VENTRICULAR DYSPLASIA, FAMILIAL, 8; ARRHYTHMOGENIC RIGHT VENTRICULAR CARDIOMYOPATHY 8. Identifiers: MedGen C1843896, MONDO:0011831, OMIM 607450.

Submissions (2):

Ambry Genetics
Classification: Likely benign for Cardiovascular phenotype. Last evaluated: 2026-06-15. Review status: criteria provided, single submitter. Criteria: Ambry Variant Classification Scheme 2023. Collection method: clinical testing. Allele origin: germline.

Labcorp Genetics (formerly Invitae), Labcorp
Classification: Uncertain significance for Arrhythmogenic cardiomyopathy with wooly hair and keratoderma; Arrhythmogenic right ventricular dysplasia 8. Last evaluated: 2025-06-04. Review status: criteria provided, single submitter. Criteria: Invitae Variant Classification Sherloc (09022015). Collection method: clinical testing. Allele origin: germline.
Comment: This sequence change replaces serine, which is neutral and polar, with glycine, which is neutral and non-polar, at codon 32 of the DSP protein (p.Ser32Gly). This variant is not present in population databases (gnomAD no frequency). This variant has not been reported in the literature in individuals affected with DSP-related conditions. ClinVar contains an entry for this variant (Variation ID: 1388757). An algorithm developed to predict the effect of missense changes on protein structure and function outputs the following: PolyPhen-2: "Benign". The glycine amino acid residue is found in multiple mammalian species, which suggests that this missense change does not adversely affect protein function. In summary, the available evidence is currently insufficient to determine the role of this variant in disease. Therefore, it has been classified as a Variant of Uncertain Significance.

NM_004415.4(DSP):c.94A>G (p.Ser32Gly)

Genes: DSP-AS1 (DSP antisense RNA 1; minus strand), DSP (desmoplakin; plus strand). Cytogenetic location: 6p24.3.
Variant type: single nucleotide variant.
Coding change: c.94A>G on transcript NM_004415.4 (MANE Select); coding-DNA position 94, A replaced by G.
Protein change: p.Ser32Gly; replaces serine 32 with glycine.
Molecular consequence: missense variant.
Genome position (GRCh38, 1-based): chr6:7,542,009, A>G. VCF-style: chr6-7542009-A-G. GRCh37 (hg19) VCF-style: chr6-7542242-A-G.
Other names: c.94A>G, p.Ser32Gly (NM_001008844.3, NM_001319034.2); c.94A>G (NM_004415.2); short protein forms S32G.
Identifiers: ClinVar variation 1388757 (VCV001388757.7), dbSNP rs2113628871, ClinGen allele CA362675780.